The following is an entry in ClinVar:

ClinVar aggregate classification (germline): Pathogenic (1 of 4 stars; one submission).

Conditions:
Familial adenomatous polyposis 1 (FAP1). Also called: POLYPOSIS, ADENOMATOUS INTESTINAL; FAMILIAL ADENOMATOUS POLYPOSIS 1, ATTENUATED. Identifiers: MedGen C2713442, MONDO:0021056, OMIM 175100. Disease mechanism: loss of function.

Submission:

Myriad Genetics, Inc.
Classification: Pathogenic for Familial adenomatous polyposis 1. Last evaluated: 2023-05-16. Review status: criteria provided, single submitter. Criteria: Myriad Autosomal Dominant, Autosomal Recessive and X-Linked Classification Criteria (2023). Collection method: clinical testing. Allele origin: unknown.
Comment: This variant is considered pathogenic. This variant creates a termination codon and is predicted to result in premature protein truncation.

NM_000038.6(APC):c.7336G>T (p.Glu2446Ter)

Gene: APC (APC regulator of Wnt signaling pathway; plus strand). Cytogenetic location: 5q22.2.
Variant type: single nucleotide variant.
Coding change: c.7336G>T on transcript NM_000038.6 (MANE Select); coding-DNA position 7336, G replaced by T.
Protein change: p.Glu2446Ter; replaces glutamic acid 2446 with a stop codon.
Molecular consequence: nonsense. On other transcripts: non-coding transcript variant (2).
Genome position (GRCh38, 1-based): chr5:112,842,930, G>T. VCF-style: chr5-112842930-G-T. GRCh37 (hg19) VCF-style: chr5-112178627-G-T.
Other names: c.7336G>T, p.Glu2446Ter (NM_001127510.3, NM_001354895.2, NM_001407450.1); c.7282G>T, p.Glu2428Ter (NM_001127511.3); c.7390G>T, p.Glu2464Ter (NM_001354896.2, NM_001407447.1, NM_001407448.1 and 1 more transcripts); c.7366G>T, p.Glu2456Ter (NM_001354897.2); c.7261G>T, p.Glu2421Ter (NM_001354898.2); c.7252G>T, p.Glu2418Ter (NM_001354899.2); c.7213G>T, p.Glu2405Ter (NM_001354900.2); c.7159G>T, p.Glu2387Ter (NM_001354901.2, NM_001407453.1); and 11 more; short protein forms E2062*, E2163*, E2286*, E2317*, E2320*, E2345*, E2355*, E2363*.
Identifiers: ClinVar variation 2583391 (VCV002583391.1), dbSNP rs2149984801, ClinGen allele CA16037309.